The following is an entry in ClinVar:

ClinVar aggregate classification (germline): Uncertain significance (1 of 4 stars; one submission).

Submission:

Labcorp Genetics (formerly Invitae), Labcorp
Classification: Uncertain significance. Last evaluated: 2021-12-24. Review status: criteria provided, single submitter. Criteria: Invitae Variant Classification Sherloc (09022015). Collection method: clinical testing. Allele origin: germline.
Comment: Algorithms developed to predict the effect of sequence changes on RNA splicing suggest that this variant may disrupt the consensus splice site. In summary, the available evidence is currently insufficient to determine the role of this variant in disease. Therefore, it has been classified as a Variant of Uncertain Significance. This sequence change affects a donor splice site in intron 5 of the SEMA4A gene. It is expected to disrupt RNA splicing. Variants that disrupt the donor or acceptor splice site typically lead to a loss of protein function (PMID: 16199547), however the current clinical and genetic evidence is not sufficient to establish whether loss-of-function variants in SEMA4A cause disease. This variant is not present in population databases (gnomAD no frequency). This variant has not been reported in the literature in individuals affected with SEMA4A-related conditions.

Literature cited by the submitters: PubMed 16199547.

NM_022367.4(SEMA4A):c.462+1G>A

Gene: SEMA4A (semaphorin 4A; plus strand). Cytogenetic location: 1q22.
Variant type: single nucleotide variant.
Coding change: c.462+1G>A on transcript NM_022367.4 (MANE Select); the canonical splice donor site of the intron after coding-DNA position 462, G replaced by A.
Molecular consequence: splice donor variant. On other transcripts: intron variant (1).
Genome position (GRCh38, 1-based): chr1:156,158,487, G>A. VCF-style: chr1-156158487-G-A. GRCh37 (hg19) VCF-style: chr1-156128278-G-A.
Other names: c.-63+1G>A (NM_001370571.1, NM_001370569.1); c.462+1G>A (NM_001193300.2, NM_001193301.2, NM_001370567.1); c.165+1G>A (NM_001370568.1); c.67-232G>A (NM_001193302.2).
Identifiers: ClinVar variation 2057155 (VCV002057155.4), dbSNP rs2528138934, ClinGen allele CA342836099.
Genomic context (GRCh38, chr1:156,158,487, plus strand): 5'-AATGTCACCCATCTCTACACCTGCGGCACCTTCGCCTTCAGCCCTGCTTGTACCTTCATT[G>A]TGAGTTCTCTGGTGCCCAGCGCTCAGGCCCCCAAGCATCCCTTCTCACATCTACCCACGA-3'